The following is an entry in ClinVar:

NM_006859.4(LIAS):c.507A>G (p.Glu169=)

Gene: LIAS (lipoic acid synthetase; plus strand). Cytogenetic location: 4p14.
Variant type: single nucleotide variant.
Coding change: c.507A>G on transcript NM_006859.4 (MANE Select); coding-DNA position 507, A replaced by G.
Protein change: p.Glu169=; no amino-acid change (glutamic acid 169 retained).
Molecular consequence: synonymous variant. On other transcripts: intron variant (1).
Genome position (GRCh38, 1-based): chr4:39,465,159, A>G. VCF-style: chr4-39465159-A-G. GRCh37 (hg19) VCF-style: chr4-39466779-A-G.
Other names: p.E169E:GAA>GAG; c.507A>G, p.Glu169= (NM_001278590.2, NM_194451.3); c.299+1554A>G (NM_001363700.2).
Identifiers: ClinVar variation 138122 (VCV000138122.14), dbSNP rs35086467, ClinGen allele CA291936.

ClinVar aggregate classification (germline): Benign. Review status: criteria provided, multiple submitters, no conflicts (2 of 4 stars). 5 submissions from 5 submitters: Benign (4). 1 of the submissions does not count toward it. Last evaluated 2026-02-03.

Conditions:
Lipoic acid synthetase deficiency. Also called: HYPERGLYCINEMIA, LACTIC ACIDOSIS, AND SEIZURES. Identifiers: Orphanet 401859, MedGen C3280887, MONDO:0013762, OMIM 614462.

Allele frequency attached by ClinVar (database versions not stated): 1000 Genomes Project 0.02776; 1000 Genomes Project 30x 0.02904; TOPMed 0.05300; gnomAD 0.05609 and 0.05633; gnomAD exomes 0.06048 and 0.08511; ExAC 0.06083; ESP Exome Variant Server 0.07112.
gnomAD v4.1: 132,538 of 1,614,172 alleles (8.2%); highest among the groups gnomAD compares: Non-Finnish European, 9.5%; 6,308 homozygotes.

Submissions (5):

Labcorp Genetics (formerly Invitae), Labcorp
Classification: Benign for Lipoic acid synthetase deficiency. Last evaluated: 2026-02-03. Review status: criteria provided, single submitter. Criteria: Invitae Variant Classification Sherloc (09022015). Collection method: clinical testing. Allele origin: germline.

Athena Diagnostics
Classification: Benign. Last evaluated: 2017-06-29. Review status: criteria provided, single submitter. Criteria: Athena Diagnostics Criteria. Collection method: clinical testing. Allele origin: germline.

GeneDx
Classification: Benign. Last evaluated: 2013-11-19. Review status: criteria provided, single submitter. Criteria: GeneDx Variant Classification (06012015). Collection method: clinical testing. Allele origin: germline. Affected: yes.
Comment: This variant is considered likely benign or benign based on one or more of the following criteria: it is a conservative change, it occurs at a poorly conserved position in the protein, it is predicted to be benign by multiple in silico algorithms, and/or has population frequency not consistent with disease.

Breakthrough Genomics
Classification: Benign. Review status: criteria provided, single submitter. Criteria: ACMG Guidelines, 2015. Collection method: not provided. Allele origin: germline. Inheritance: Autosomal recessive inheritance. Affected: yes.

Mayo Clinic Laboratories, Mayo Clinic
Classification: Benign. Last evaluated: 2016-02-23. Review status: no assertion criteria provided. Collection method: clinical testing. Allele origin: unknown. Not counted in ClinVar's aggregate classification.